The following is an entry in ClinVar:

ClinVar aggregate classification (germline): Conflicting classifications of pathogenicity. Review status: criteria provided, conflicting classifications (1 of 4 stars). 4 submissions from 4 submitters: Uncertain significance (3); Likely benign (1). Last evaluated 2026-02-01.

Conditions:
Myopathy, congenital, with structured cores and z-line abnormalities. Also called: MULTIPLE STRUCTURED CORE DISEASE; CONGENITAL MYOPATHY 8. Identifiers: MedGen C5231445, MONDO:0032852, OMIM 618654.
Dilated cardiomyopathy 1AA (CMD1AA). Also called: Cardiomyopathy, dilated, 1AA, with or without LVNC; CARDIOMYOPATHY, FAMILIAL HYPERTROPHIC, 23, WITH OR WITHOUT LEFT VENTRICULAR NONCOMPACTION; CARDIOMYOPATHY, DILATED, 1AA, WITH OR WITHOUT LEFT VENTRICULAR NONCOMPACTION. Identifiers: Orphanet 154, MedGen C2677338, MONDO:0012808, OMIM 612158.
Myopathy, distal, 6, adult-onset, autosomal dominant. Identifiers: MedGen C5203349, MONDO:0032853, OMIM 618655.
Primary familial hypertrophic cardiomyopathy (HCM). Identifiers: Orphanet 99739, MedGen C0949658, MeSH D024741, MONDO:0024573. Inheritance: Various modes of inheritance.
Cardiovascular phenotype. Identifiers: MedGen CN230736.

Allele frequency attached by ClinVar (database versions not stated): gnomAD exomes below 0.00001; gnomAD 0.00001; TOPMed 0.00002.
gnomAD v4.1: 6 of 1,614,036 alleles (0.00037%); highest among the groups gnomAD compares: Non-Finnish European, 0.00051%; no homozygotes.

Submissions (4):

Labcorp Genetics (formerly Invitae), Labcorp
Classification: Likely benign for Primary familial hypertrophic cardiomyopathy; Dilated cardiomyopathy 1AA. Last evaluated: 2026-02-01. Review status: criteria provided, single submitter. Criteria: Invitae Variant Classification Sherloc (09022015). Collection method: clinical testing. Allele origin: germline.

Ambry Genetics
Classification: Uncertain significance for Cardiovascular phenotype. Last evaluated: 2024-12-31. Review status: criteria provided, single submitter. Criteria: Ambry Variant Classification Scheme 2023. Collection method: clinical testing. Allele origin: germline.
Comment: The p.I685T variant (also known as c.2054T>C), located in coding exon 17 of the ACTN2 gene, results from a T to C substitution at nucleotide position 2054. The isoleucine at codon 685 is replaced by threonine, an amino acid with similar properties. This amino acid position is highly conserved in available vertebrate species. In addition, this alteration is predicted to be deleterious by in silico analysis. Since supporting evidence is limited at this time, the clinical significance of this alteration remains unclear.

Fulgent Genetics
Classification: Uncertain significance for Dilated cardiomyopathy 1AA; Myopathy, congenital, with structured cores and z-line abnormalities; Myopathy, distal, 6, adult-onset, autosomal dominant. Last evaluated: 2021-09-23. Review status: criteria provided, single submitter. Criteria: ACMG Guidelines, 2015. Collection method: clinical testing. Allele origin: unknown.

GeneDx
Classification: Uncertain significance. Last evaluated: 2016-08-22. Review status: criteria provided, single submitter. Criteria: GeneDx Variant Classification (06012015). Collection method: clinical testing. Allele origin: germline. Affected: yes.
Comment: A novel variant of uncertain significance has been identified in the ACTN2 gene. The I685T variant has not been published as a pathogenic variant, nor has it been reported as a benign variant to our knowledge. This variant was not observed in approximately 6,500 individuals of European and African American ancestry in the NHLBI Exome Sequencing Project, indicating it is not a common benign variant in these populations. The I685T variant is a non-conservative amino acid substitution, which is likely to impact secondary protein structure as these residues differ in polarity, charge, size and/or other properties. This substitution occurs at a position that is conserved across species and in silico analysis predicts this variant is probably damaging to the protein structure/function. However, no missense variants in nearby residues have been reported in the Human Gene Mutation Database (Stenson et al., 2014). Furthermore, to our knowledge no studies have been performed to determine the functional effect of the I685T variant.Therefore, based on the currently available information, it is unclear whether this variant is pathogenic or benign.

NM_001103.4(ACTN2):c.2054T>C (p.Ile685Thr)

Gene: ACTN2 (actinin alpha 2; plus strand). Cytogenetic location: 1q43.
Variant type: single nucleotide variant.
Coding change: c.2054T>C on transcript NM_001103.4 (MANE Select); coding-DNA position 2054, T replaced by C.
Protein change: p.Ile685Thr; replaces isoleucine 685 with threonine.
Molecular consequence: missense variant.
Genome position (GRCh38, 1-based): chr1:236,755,098, T>C. VCF-style: chr1-236755098-T-C. GRCh37 (hg19) VCF-style: chr1-236918398-T-C.
Other names: c.2054T>C, p.Ile685Thr (NM_001278343.2); c.1430T>C, p.Ile477Thr (NM_001278344.2); short protein forms I685T, I477T.
Identifiers: ClinVar variation 388855 (VCV000388855.16), dbSNP rs1057523250, ClinGen allele CA16603610.
Genomic context (GRCh38, chr1:236,755,098, plus strand): 5'-TCCAGATCACAGGAGCCCTGGAAGACCAGATGAACCAGCTGAAGCAGTATGAGCACAACA[T>C]CATCAACTATAAGAACAACATCGACAAGCTGGAGGGAGACCATCAGCTCATCCAGGAGGC-3'
Protein context (NP_001094.1, residues 675-695): MNQLKQYEHN[Ile685Thr]INYKNNIDKL